The following is an entry in ClinVar:

ClinVar aggregate classification (germline): Uncertain significance. Review status: criteria provided, multiple submitters, no conflicts (2 of 4 stars). 2 submissions from 2 submitters: Uncertain significance (2). Last evaluated 2024-06-12.

Conditions:
SCN3A-related neurodevelopmental sisorder.

Allele frequency attached by ClinVar (database versions not stated): gnomAD 0.00001; TOPMed 0.00002.

Submissions (2):

Labcorp Genetics (formerly Invitae), Labcorp
Classification: Uncertain significance. Last evaluated: 2024-06-12. Review status: criteria provided, single submitter. Criteria: Invitae Variant Classification Sherloc (09022015). Collection method: clinical testing. Allele origin: germline.
Comment: This sequence change replaces glycine, which is neutral and non-polar, with alanine, which is neutral and non-polar, at codon 637 of the SCN3A protein (p.Gly637Ala). This variant is not present in population databases (gnomAD no frequency). This variant has not been reported in the literature in individuals affected with SCN3A-related conditions. ClinVar contains an entry for this variant (Variation ID: 973274). Advanced modeling of protein sequence and biophysical properties (such as structural, functional, and spatial information, amino acid conservation, physicochemical variation, residue mobility, and thermodynamic stability) performed at Invitae indicates that this missense variant is not expected to disrupt SCN3A protein function with a negative predictive value of 95%. In summary, the available evidence is currently insufficient to determine the role of this variant in disease. Therefore, it has been classified as a Variant of Uncertain Significance.

Illumina Laboratory Services, Illumina
Classification: Uncertain significance for SCN3A-related neurodevelopmental sisorder. Last evaluated: 2020-03-10. Review status: criteria provided, single submitter. Criteria: ICSLVariantClassificationCriteria RUGD 01 April 2020. Collection method: clinical testing. Allele origin: unknown.
Comment: The SCN3A c.1910G>C (p.Gly637Ala) variant is a missense variant. A literature search was performed for the gene, cDNA change, and amino acid change. No publications were found based on this search. The p.Gly637Ala variant is not found in the Genome Aggregation Database in a region of good sequence coverage, so the variant is presumed to be rare. Based on the limited evidence, the p.Gly637Ala variant is classified as a variant of unknown significance for SCN3A-related neurodevelopmental disorder.

NM_006922.4(SCN3A):c.1910G>C (p.Gly637Ala)

Gene: SCN3A (sodium voltage-gated channel alpha subunit 3; minus strand). Cytogenetic location: 2q24.3.
Variant type: single nucleotide variant.
Coding change: c.1910G>C on transcript NM_006922.4 (MANE Select); coding-DNA position 1910, G replaced by C.
Protein change: p.Gly637Ala; replaces glycine 637 with alanine.
Molecular consequence: missense variant. On other transcripts: intron variant (2).
Genome position (GRCh38, 1-based): chr2:165,140,760, C>G on the plus strand (G>C on the coding strand, the complement: SCN3A is on the minus strand). VCF-style: chr2-165140760-C-G. GRCh37 (hg19) VCF-style: chr2-165997270-C-G.
Other names: c.1872+38G>C (NM_001081676.2, NM_001081677.2); short protein forms G637A.
Identifiers: ClinVar variation 973274 (VCV000973274.13), dbSNP rs985919287, ClinGen allele CA59742097.
Genomic context (GRCh38, chr2:165,140,760, plus strand): 5'-ACCAAGGAAACCACACCATTGCAATCCACAGTGCTGTGCATCTTCCCATTTGCTGGAAGC[C>G]CTGGCACCATCCTGGATGACATACTGGCCTGACTAACGTTACTGTTGCGTCGCTCTCCAT-3'
Protein context (NP_008853.3, residues 627-647): QASMSSRMVP[Gly637Ala]LPANGKMHST